The following is an entry in ClinVar:

NM_002519.3(NPAT):c.3469C>T (p.Leu1157Phe)

Gene: NPAT (nuclear protein, coactivator of histone transcription; minus strand). Cytogenetic location: 11q22.3.
Variant type: single nucleotide variant.
Coding change: c.3469C>T on transcript NM_002519.3 (MANE Select); coding-DNA position 3469, C replaced by T.
Protein change: p.Leu1157Phe; replaces leucine 1157 with phenylalanine.
Molecular consequence: missense variant.
Genome position (GRCh38, 1-based): chr11:108,161,617, G>A on the plus strand (C>T on the coding strand, the complement: NPAT is on the minus strand). VCF-style: chr11-108161617-G-A. GRCh37 (hg19) VCF-style: chr11-108032344-G-A.
Other names: c.3490C>T, p.Leu1164Phe (NM_001321307.1); short protein forms L1164F, L1157F.
Identifiers: ClinVar variation 2015022 (VCV002015022.4), dbSNP rs2496695872, ClinGen allele CA382510748.

ClinVar aggregate classification (germline): Uncertain significance (1 of 4 stars; one submission).

Allele frequency attached by ClinVar (database versions not stated): gnomAD exomes below 0.00001.
gnomAD v4.1: 1 of 1,614,072 alleles (0.000062%); highest among the groups gnomAD compares: South Asian, 0.0011%; no homozygotes.

Submission:

Labcorp Genetics (formerly Invitae), Labcorp
Classification: Uncertain significance. Last evaluated: 2022-07-08. Review status: criteria provided, single submitter. Criteria: Invitae Variant Classification Sherloc (09022015). Collection method: clinical testing. Allele origin: germline.
Comment: This sequence change replaces leucine, which is neutral and non-polar, with phenylalanine, which is neutral and non-polar, at codon 1157 of the NPAT protein (p.Leu1157Phe). This variant is not present in population databases (gnomAD no frequency). This variant has not been reported in the literature in individuals affected with NPAT-related conditions. Algorithms developed to predict the effect of missense changes on protein structure and function output the following: SIFT: "Tolerated"; PolyPhen-2: "Benign"; Align-GVGD: "Class C0". The phenylalanine amino acid residue is found in multiple mammalian species, which suggests that this missense change does not adversely affect protein function. In summary, the available evidence is currently insufficient to determine the role of this variant in disease. Therefore, it has been classified as a Variant of Uncertain Significance.